The following is an entry in ClinVar:

NM_000492.4(CFTR):c.472A>G (p.Ser158Gly)

Gene: CFTR (CF transmembrane conductance regulator; plus strand). Cytogenetic location: 7q31.2.
Variant type: single nucleotide variant.
Coding change: c.472A>G on transcript NM_000492.4 (MANE Select); coding-DNA position 472, A replaced by G.
Protein change: p.Ser158Gly; replaces serine 158 with glycine.
Molecular consequence: missense variant.
Genome position (GRCh38, 1-based): chr7:117,531,097, A>G. VCF-style: chr7-117531097-A-G. GRCh37 (hg19) VCF-style: chr7-117171151-A-G.
Other names: short protein forms S158G.
Identifiers: ClinVar variation 1951118 (VCV001951118.5), dbSNP rs397508724, ClinGen allele CA368975085.
Genomic context (GRCh38, chr7:117,531,097, plus strand): 5'-CTACACCCAGCCATTTTTGGCCTTCATCACATTGGAATGCAGATGAGAATAGCTATGTTT[A>G]GTTTGATTTATAAGAAGGTAATACTTCCTTGCACAGGCCCCATGGCACATATATTCTGTA-3'
Protein context (NP_000483.3, residues 148-168): IGMQMRIAMF[Ser158Gly]LIYKKTLKLS

ClinVar aggregate classification (germline): Uncertain significance (1 of 4 stars; one submission).

Conditions:
Cystic fibrosis (CF). Also called: MUCOVISCIDOSIS. Identifiers: Orphanet 586, MedGen C0010674, MONDO:0009061, OMIM 219700. Disease mechanism: loss of function.

Allele frequency attached by ClinVar (database versions not stated): gnomAD 0.00001; TOPMed below 0.00001.
gnomAD v4.1: 7 of 1,612,728 alleles (0.00043%); highest among the groups gnomAD compares: African/African-American, 0.0013%; no homozygotes.

Submission:

Labcorp Genetics (formerly Invitae), Labcorp
Classification: Uncertain significance for Cystic fibrosis. Last evaluated: 2022-04-17. Review status: criteria provided, single submitter. Criteria: Invitae Variant Classification Sherloc (09022015). Collection method: clinical testing. Allele origin: germline.
Comment: Algorithms developed to predict the effect of missense changes on protein structure and function are either unavailable or do not agree on the potential impact of this missense change (SIFT: "Tolerated"; PolyPhen-2: "Possibly Damaging"; Align-GVGD: "Class C0"). This missense change has been observed in individual(s) with cystic fibrosis (PMID: 26900683). This variant is not present in population databases (gnomAD no frequency). This sequence change replaces serine, which is neutral and polar, with glycine, which is neutral and non-polar, at codon 158 of the CFTR protein (p.Ser158Gly). This variant disrupts the p.Ser158 amino acid residue in CFTR. Other variant(s) that disrupt this residue have been determined to be pathogenic (PMID: 12820707, 18782298; Invitae). This suggests that this residue is clinically significant, and that variants that disrupt this residue are likely to be disease-causing. In summary, the available evidence is currently insufficient to determine the role of this variant in disease. Therefore, it has been classified as a Variant of Uncertain Significance.

Literature cited by the submitters: PubMed 26900683; PubMed 12820707; PubMed 18782298.